The following is an entry in ClinVar:

ClinVar aggregate classification (germline): Pathogenic. Review status: criteria provided, multiple submitters, no conflicts (2 of 4 stars). 2 submissions from 2 submitters: Pathogenic (2). Last evaluated 2023-08-22.

Conditions:
Lynch syndrome 5 (LYNCH5). Also called: Hereditary non-polyposis colorectal cancer, type 5; Colorectal cancer, hereditary nonpolyposis, type 5. Identifiers: Orphanet 144, MedGen C1833477, MONDO:0013710, OMIM 614350. Disease mechanism: loss of function.
Hereditary nonpolyposis colorectal neoplasms. Identifiers: MedGen C0009405, MeSH D003123.

Submissions (2):

Myriad Genetics, Inc.
Classification: Pathogenic for Lynch syndrome 5. Last evaluated: 2023-08-22. Review status: criteria provided, single submitter. Criteria: Myriad Autosomal Dominant, Autosomal Recessive and X-Linked Classification Criteria (2023). Collection method: clinical testing. Allele origin: unknown.
Comment: This variant is considered pathogenic. This variant creates a frameshift predicted to result in premature protein truncation.

Labcorp Genetics (formerly Invitae), Labcorp
Classification: Pathogenic for Hereditary nonpolyposis colorectal neoplasms. Last evaluated: 2023-04-20. Review status: criteria provided, single submitter. Criteria: Invitae Variant Classification Sherloc (09022015). Collection method: clinical testing. Allele origin: germline.
Comment: This sequence change creates a premature translational stop signal (p.Lys1101Aspfs*6) in the MSH6 gene. It is expected to result in an absent or disrupted protein product. Loss-of-function variants in MSH6 are known to be pathogenic (PMID: 18269114, 24362816). This variant is not present in population databases (gnomAD no frequency). This variant has not been reported in the literature in individuals affected with MSH6-related conditions. For these reasons, this variant has been classified as Pathogenic.

Literature cited by the submitters: PubMed 18269114 (cited by Labcorp Genetics (formerly Invitae), Labcorp); PubMed 24362816 (cited by Labcorp Genetics (formerly Invitae), Labcorp).

NM_000179.3(MSH6):c.3301_3302del (p.Lys1101fs)

Gene: MSH6 (mutS homolog 6; plus strand). Cytogenetic location: 2p16.3.
Variant type: Deletion.
Coding change: c.3301_3302del on transcript NM_000179.3 (MANE Select); coding-DNA positions 3301 to 3302, 2 bases deleted (AA; older notation c.3301_3302delAA).
Protein change: p.Lys1101fs; shifts the reading frame from lysine 1101.
Molecular consequence: frameshift variant. On other transcripts: non-coding transcript variant (5), intron variant (1).
Genome position (GRCh38, 1-based): chr2:47,803,548-47,803,549, AA deleted. VCF-style (leftmost placement, unchanged base first): chr2-47803547-GAA-G. GRCh37 (hg19) VCF-style: chr2-48030686-GAA-G.
Other names: c.2911_2912del, p.Lys971fs (NM_001281492.2); c.2395_2396del, p.Lys799fs (NM_001281493.2, NM_001281494.2, NM_001406811.1 and 6 more transcripts); c.3397_3398del, p.Lys1133fs (NM_001406795.1, NM_001406802.1); c.3301_3302del, p.Lys1101fs (NM_001406796.1, NM_001406800.1, NM_001406808.1 and 1 more transcripts); c.3004_3005del, p.Lys1002fs (NM_001406797.1, NM_001406801.1, NM_001406818.1 and 10 more transcripts); c.2776_2777del, p.Lys926fs (NM_001406799.1, NM_001406806.1, NM_001406807.1); c.3307_3308del, p.Lys1103fs (NM_001406813.1); c.1735_1736del, p.Lys579fs (NM_001406817.1); and 7 more; short protein forms K1002fs, K1045fs, K1075fs, K1101fs, K1103fs, K1133fs, K28fs, K416fs.
Identifiers: ClinVar variation 2673764 (VCV002673764.4), dbSNP rs2530766683, ClinGen allele CA2695200534.
Genomic context (GRCh38, chr2:47,803,547, plus strand): 5'-GTTGCCGGAAGATACCCCCCCCTTCTTAGAGCTTAAAGGATCACGCCATCCTTGCATTAC[GAA>G]GACTTTTTTTGGAGATGATTTTATTCCTAATGACATTCTAATAGGCTGTGAGGAAGAGGA-3'